The following is an entry in ClinVar:

NM_000545.8(HNF1A):c.1400C>T (p.Pro467Leu)

Gene: HNF1A (HNF1 homeobox A; plus strand). Cytogenetic location: 12q24.31.
Variant type: single nucleotide variant.
Coding change: c.1400C>T on transcript NM_000545.8 (MANE Select); coding-DNA position 1400, C replaced by T.
Protein change: p.Pro467Leu; replaces proline 467 with leucine.
Molecular consequence: missense variant.
Genome position (GRCh38, 1-based): chr12:120,997,564, C>T. VCF-style: chr12-120997564-C-T. GRCh37 (hg19) VCF-style: chr12-121435367-C-T.
Other names: c.1400C>T (NM_000545.5); c.1400C>T, p.Pro467Leu (NM_001306179.2); short protein forms P467L.
Identifiers: ClinVar variation 972767 (VCV000972767.5), dbSNP rs764483607, ClinGen allele CA6832036.
Genomic context (GRCh38, chr12:120,997,564, plus strand): 5'-CGGTCATCAACAGCATGGGCAGCAGCCTGACCACCCTGCAGCCCGTCCAGTTCTCCCAGC[C>T]GCTGCACCCCTCCTACCAGCAGCCGCTCATGCCACCTGTGCAGAGCCATGTGACCCAGAG-3'
Protein context (NP_000536.6, residues 457-477): TTLQPVQFSQ[Pro467Leu]LHPSYQQPLM

ClinVar aggregate classification (germline): Uncertain significance. Review status: criteria provided, multiple submitters, no conflicts (2 of 4 stars). 4 submissions from 4 submitters: Uncertain significance (4). Last evaluated 2025-01-20.

Conditions:
Diabetes mellitus type 1 (T1D). Also called: Type I diabetes mellitus; Diabetes Mellitus, Juvenile-Onset. Identifiers: MedGen C0011854, MONDO:0005147, OMIM 222100, HP:0100651.
Type 2 diabetes mellitus. Also called: Type II diabetes mellitus. Identifiers: MedGen C0011860, MeSH D003924, MONDO:0005148, OMIM 125853, HP:0005978.
Maturity-onset diabetes of the young type 3. Also called: MODY type 3; MODY, type III. Identifiers: Orphanet 552, MedGen C1838100, MeSH C563933, MONDO:0010894, OMIM 600496. Disease mechanism: loss of function.
Nonpapillary renal cell carcinoma. Identifiers: Orphanet 422526, MedGen CN074294, MONDO:0007763, OMIM 144700.
Hepatic adenomas, familial. Also called: LIVER CELL ADENOMAS, FAMILIAL; HEPATIC ADENOMA, SOMATIC. Identifiers: MedGen C1840646, MONDO:0007718, OMIM 142330.
Type 1 diabetes mellitus 20 (T1D20). Also called: Diabetes mellitus, insulin-dependent, 20. Identifiers: MedGen C2675866, MONDO:0012919, OMIM 612520.
Maturity-onset diabetes of the young (MODY). Also called: Maturity onset diabetes mellitus in young. Identifiers: Orphanet 552, MedGen C0342276, MONDO:0018911, HP:0004904.

Allele frequency attached by ClinVar (database versions not stated): ExAC 0.00001; gnomAD exomes 0.00001 and 0.00002; TOPMed 0.00002.
gnomAD v4.1: 19 of 1,613,644 alleles (0.0012%); highest among the groups gnomAD compares: Admixed American, 0.0067%; no homozygotes.

Submissions (4):

Ambry Genetics
Classification: Uncertain significance for Maturity-onset diabetes of the young. Last evaluated: 2025-01-20. Review status: criteria provided, single submitter. Criteria: Ambry Variant Classification Scheme 2023. Collection method: clinical testing. Allele origin: germline.
Comment: The p.P467L variant (also known as c.1400C>T), located in coding exon 7 of the HNF1A gene, results from a C to T substitution at nucleotide position 1400. The proline at codon 467 is replaced by leucine, an amino acid with similar properties. This variant was reported in individual(s) with features consistent with HNF1A-related maturity-onset diabetes of the young (Bellann&eacute;-Chantelot C et al. Diabetes, 2008 Feb;57:503-8; Bansal V et al. BMC Med, 2017 Dec;15:213; Patel KA et al. Diabetologia, 2022 Feb;65:336-342). This amino acid position is well conserved in available vertebrate species. In addition, this alteration is predicted to be deleterious by in silico analysis. Based on the available evidence, the clinical significance of this variant remains unclear.

Blueprint Genetics
Classification: Uncertain significance. Last evaluated: 2024-05-29. Review status: criteria provided, single submitter. Criteria: ACMG Guidelines, 2015. Collection method: clinical testing. Allele origin: germline.

Fulgent Genetics
Classification: Uncertain significance for Type 2 diabetes mellitus; Hepatic adenomas, familial; Nonpapillary renal cell carcinoma; Diabetes mellitus type 1; Maturity-onset diabetes of the young type 3; Type 1 diabetes mellitus 20. Last evaluated: 2022-04-27. Review status: criteria provided, single submitter. Criteria: ACMG Guidelines, 2015. Collection method: clinical testing. Allele origin: unknown.

Broad Center for Mendelian Genomics, Broad Institute of MIT and Harvard
Classification: Uncertain significance for Maturity-onset diabetes of the young type 3. Last evaluated: 2020-01-22. Review status: criteria provided, single submitter. Criteria: ACMG Guidelines, 2015. Collection method: curation. Allele origin: germline. Inheritance: Autosomal dominant inheritance.
Comment: The p.Pro467Leu variant in HNF1A has been reported in 2 individuals with MODY (PMID: 18003757), but has been identified in 0.0087% 3/34496) of Latino chromosomes and 0.00089% (1/112804) of European (non-Finnish) chromosomes by the Genome Aggregation Database (gnomAD; dbSNP rs764483607). Computational prediction tools and conservation analyses do not provide strong support for or against an impact to the protein. In summary, the clinical significance of the p.Pro467Leu variant is uncertain. ACMG/AMP Criteria applied: BS1, PS4_supporting (Richards 2015).

Literature cited by the submitters: PubMed 18003757 (cited by Ambry Genetics and Broad Center for Mendelian Genomics, Broad Institute of MIT and Harvard); PubMed 29207974 (cited by Ambry Genetics); PubMed 34686905 (cited by Ambry Genetics).